The following is an entry in ClinVar:

ClinVar aggregate classification (germline): Uncertain significance (1 of 4 stars; one submission).

Conditions:
Cardiovascular phenotype. Identifiers: MedGen CN230736.

Allele frequency attached by ClinVar (database versions not stated): gnomAD exomes below 0.00001; gnomAD 0.00001.

Submission:

Ambry Genetics
Classification: Uncertain significance for Cardiovascular phenotype. Last evaluated: 2021-11-04. Review status: criteria provided, single submitter. Criteria: Ambry Variant Classification Scheme 2023. Collection method: clinical testing. Allele origin: germline.
Comment: The c.-3G>A variant is located in the 5' untranslated region (5&rsquo; UTR) of the ZNF469 gene. This variant results from a G to A substitution 3 bases upstream from the first translated codon. This nucleotide position is not well conserved in available vertebrate species. Since supporting evidence is limited at this time, the clinical significance of this alteration remains unclear.

NM_001367624.2(ZNF469):c.-3G>A

Gene: ZNF469 (zinc finger protein 469; plus strand). Cytogenetic location: 16q24.2.
Variant type: single nucleotide variant.
Coding change: c.-3G>A on transcript NM_001367624.2 (MANE Select); 3 bases upstream of the start codon, G replaced by A.
Molecular consequence: 5 prime UTR variant.
Genome position (GRCh38, 1-based): chr16:88,427,468, G>A. VCF-style: chr16-88427468-G-A. GRCh37 (hg19) VCF-style: chr16-88493876-G-A.
Other names: NM_001127464.1:c.-3G>A.
Identifiers: ClinVar variation 1736903 (VCV001736903.2), dbSNP rs1326657400, ClinGen allele CA624447566.